The following is an entry in ClinVar:

NM_000152.5(GAA):c.1195-1G>A

Gene: GAA (alpha glucosidase; plus strand). Cytogenetic location: 17q25.3.
Variant type: single nucleotide variant.
Coding change: c.1195-1G>A on transcript NM_000152.5 (MANE Select); the canonical splice acceptor site of the intron before coding-DNA position 1195, G replaced by A.
Molecular consequence: splice acceptor variant.
Genome position (GRCh38, 1-based): chr17:80,108,696, G>A. VCF-style: chr17-80108696-G-A. GRCh37 (hg19) VCF-style: chr17-78082495-G-A.
Other names: c.1195-1G>A (NM_001406741.1, NM_001406742.1, NM_001079803.3 and 1 more transcripts).
Identifiers: ClinVar variation 549946 (VCV000549946.4), dbSNP rs1555600166, ClinGen allele CA401365148.

ClinVar aggregate classification (germline): Pathogenic. Review status: criteria provided, multiple submitters, no conflicts (2 of 4 stars). 3 submissions from 3 submitters: Pathogenic (2). 1 of the submissions does not count toward it. Last evaluated 2026-07-01.

Conditions:
Glycogen storage disease, type II (IOPD). Also called: POMPE DISEASE, INFANTILE-ONSET; GLYCOGEN STORAGE DISEASE II, INFANTILE-ONSET; ACID ALPHA-GLUCOSIDASE DEFICIENCY, INFANTILE-ONSET; GAA DEFICIENCY, INFANTILE-ONSET; ACID MALTASE DEFICIENCY, INFANTILE-ONSET; CARDIOMEGALIA GLYCOGENICA DIFFUSA. Identifiers: Orphanet 365, MedGen C0017921, MONDO:0009290, OMIM 232300.

gnomAD v4.1: 1 of 1,612,744 alleles (0.000062%); highest among the groups gnomAD compares: Non-Finnish European, 0.000085%; no homozygotes.

Submissions (3):

Genomenon, Inc
Classification: Pathogenic for Glycogen storage disease, type II. Last evaluated: 2026-07-01. Review status: criteria provided, single submitter. Criteria: Genomenon Sequence Variant Interpretation Standards - Updated. Collection method: curation. Allele origin: germline. Affected: yes.
Comment: GAA c.1195-1G>A is a canonical splice variant affecting the acceptor splice site of intron 7. It is predicted to affect mRNA splicing, leading to a deleterious effect on the GAA protein. This variant has been observed in at least one proband with a GAA-related disorder (PMID:31606152). It is absent or not present at a significant frequency in gnomAD. In conclusion, we classify GAA c.1195-1G>A as a pathogenic variant.

Labcorp Genetics (formerly Invitae), Labcorp
Classification: Pathogenic for Glycogen storage disease, type II. Last evaluated: 2026-01-05. Review status: criteria provided, single submitter. Criteria: Invitae Variant Classification Sherloc (09022015). Collection method: clinical testing. Allele origin: germline.
Comment: This sequence change affects an acceptor splice site in intron 7 of the GAA gene. It is expected to disrupt RNA splicing. Variants that disrupt the donor or acceptor splice site typically lead to a loss of protein function (PMID: 16199547), and loss-of-function variants in GAA are known to be pathogenic (PMID: 18425781, 22252923). This variant is not present in population databases (gnomAD no frequency). Disruption of this splice site has been observed in individuals with Pompe disease (PMID: 22194990, 29181627). ClinVar contains an entry for this variant (Variation ID: 549946). Algorithms developed to predict the effect of sequence changes on RNA splicing suggest that this variant may disrupt the consensus splice site. For these reasons, this variant has been classified as Pathogenic.

Counsyl
Classification: Likely pathogenic for Glycogen storage disease, type II. Last evaluated: 2017-05-15. Review status: no assertion criteria provided. Collection method: clinical testing. Allele origin: unknown. Not counted in ClinVar's aggregate classification.

Literature cited by the submitters: PubMed 31606152 (cited by Genomenon, Inc); PubMed 16199547 (cited by Labcorp Genetics (formerly Invitae), Labcorp); PubMed 18425781 (cited by Labcorp Genetics (formerly Invitae), Labcorp); PubMed 22252923 (cited by Labcorp Genetics (formerly Invitae), Labcorp); PubMed 22194990 (cited by Labcorp Genetics (formerly Invitae), Labcorp and Counsyl); PubMed 29181627 (cited by Labcorp Genetics (formerly Invitae), Labcorp).